The following is an entry in ClinVar:

NM_001122955.4(BSCL2):c.86A>G (p.Glu29Gly)

Genes: BSCL2 (BSCL2 lipid droplet biogenesis associated, seipin; minus strand), GNG3 (G protein subunit gamma 3; plus strand), HNRNPUL2-BSCL2 (HNRNPUL2-BSCL2 readthrough (NMD candidate); minus strand). Cytogenetic location: 11q12.3.
Variant type: single nucleotide variant.
Coding change: c.86A>G on transcript NM_001122955.4 (MANE Select); coding-DNA position 86, A replaced by G.
Protein change: p.Glu29Gly; replaces glutamic acid 29 with glycine.
Molecular consequence: missense variant. On other transcripts: non-coding transcript variant (1), genic upstream transcript variant (2).
Genome position (GRCh38, 1-based): chr11:62,707,110, T>C on the plus strand (A>G on the coding strand, the complement: BSCL2 is on the minus strand). VCF-style: chr11-62707110-T-C. GRCh37 (hg19) VCF-style: chr11-62474582-T-C.
Other names: c.-107A>G (NM_001130702.2, NM_032667.6); c.86A>G, p.Glu29Gly (NM_001386027.1, NM_001386028.1); short protein forms E29G.
Identifiers: ClinVar variation 3360671 (VCV003360671.2).
Genomic context (GRCh38, chr11:62,707,110, plus strand): 5'-CACGCCAGCCCACCTATTTCCAGTATATTTCTGCTGACTGTCCCCACAAGGGCCCCTACC[T>C]CCTCTTTGTCCGGTCCTTTGATCTGGTCTCCGCACACCTCTTTTTCCCCAGCTTCCTCCT-3'
Protein context (NP_001116427.1, residues 19-39): GDQIKGPDKE[Glu29Gly]EPPAAASHGQ

ClinVar aggregate classification (germline): Uncertain significance (1 of 4 stars; one submission).

gnomAD v4.1: 1 of 1,552,992 alleles (0.000064%); highest among the groups gnomAD compares: East Asian, 0.0024%; no homozygotes.

Submission:

GeneDx
Classification: Uncertain significance. Last evaluated: 2024-11-19. Review status: criteria provided, single submitter. Criteria: GeneDx Variant Classification Process June 2021. Collection method: clinical testing. Allele origin: germline.
Comment: Not observed at significant frequency in large population cohorts (gnomAD); In silico analysis supports that this missense variant has a deleterious effect on protein structure/function; In silico analysis supports a deleterious effect on splicing; Reported using an alternate transcript of the gene; Has not been previously published as pathogenic or benign to our knowledge